The following is an entry in ClinVar:

NM_000018.4(ACADVL):c.192dup (p.Pro65fs)

Gene: ACADVL (acyl-CoA dehydrogenase very long chain; plus strand). Cytogenetic location: 17p13.1.
Variant type: Duplication.
Coding change: c.192dup on transcript NM_000018.4 (MANE Select); coding-DNA position 192, one base duplicated (A; older notation c.192dupA).
Protein change: p.Pro65fs; shifts the reading frame from proline 65.
Molecular consequence: frameshift variant. On other transcripts: 5 prime UTR variant (1), intron variant (1).
Genome position (GRCh38, 1-based): chr17:7,220,517, A duplicated; the last of 6 consecutive A bases (chr17:7,220,512-7,220,517); duplicating any one gives the same sequence. VCF-style (leftmost placement, unchanged base first): chr17-7220511-G-GA. GRCh37 (hg19) VCF-style: chr17-7123830-G-GA.
Other names: NM_000018.4(ACADVL):c.192dup; p.Pro65fs; c.261dup, p.Pro88fs (NM_001270447.2); c.-37dup (NM_001270448.2); c.139-87dup (NM_001033859.3); c.192dupA (NM_000018.3); short protein forms P88fs, P65fs.
Identifiers: ClinVar variation 569888 (VCV000569888.12), dbSNP rs771055189, ClinGen allele CA287434246.

ClinVar aggregate classification (germline): Likely pathogenic. Review status: reviewed by expert panel (3 of 4 stars). 5 submissions from 5 submitters: Likely pathogenic (1). 4 of the submissions do not count toward it. Last evaluated 2024-02-27.

Conditions:
ACADVL-related disorder. Also called: ACADVL-related condition.
Very long chain acyl-CoA dehydrogenase deficiency (ACADVLD). Also called: VLCAD Deficiency; Very Long-Chain Acyl-Coenzyme A Dehydrogenase Deficiency. Identifiers: Orphanet 26793, MedGen C3887523, MONDO:0008723, OMIM 201475.

Submissions (5):

ClinGen ACADVL Variant Curation Expert Panel, ClinGen
Classification: Likely pathogenic for Very long chain acyl-CoA dehydrogenase deficiency. Last evaluated: 2024-02-27. Review status: reviewed by expert panel. Criteria: clingen acadvl acmg specifications v1. Collection method: curation. Allele origin: germline. Inheritance: Autosomal recessive inheritance.
Comment: The NM_000018.4(ACADVL):c.192dup (p.Pro65Thrfs*7) variant in ACADVL is a frameshift variant predicted to cause a premature stop codon in biologically relevant exon 3/20 leading to nonsense mediated decay in a gene in which loss-of-function is an established disease mechanism (PVS1: PMIDs 9973285, 11590124). This variant is absent from gnomAD v2.1.1 (PM2_Supporting). To our knowledge, this variant has not been reported in the literature in any individuals with VLCADD. The ACADVL Variant Curation Expert Panel VCEP classified the variant as likely pathogenic based on PVS1+PM2_supporting (ACADVL VCEP specifications version 1; approved November 9, 2021). This variant was originally curated November 12, 2021 and the recurated classification was approved by the expert panel on February 27, 2024.

PreventionGenetics, part of Exact Sciences
Classification: Pathogenic for ACADVL-related condition. Last evaluated: 2024-12-17. Review status: criteria provided, single submitter. Criteria: ACMG Guidelines, 2015. Collection method: clinical testing. Allele origin: germline. Not counted in ClinVar's aggregate classification.
Comment: The ACADVL c.192dupA variant is predicted to result in a frameshift and premature protein termination (p.Pro65Thrfs*7). To our knowledge, this variant was not reported in the literature or in a large population database (gnomAD), indicating this variant is rare. This variant is classified as likely pathogenic or pathogenic in Clinvar. Frameshift variants in ACADVL are expected to be pathogenic. This variant is interpreted as pathogenic.

Natera, Inc.
Classification: Likely pathogenic for Very long chain acyl-CoA dehydrogenase deficiency. Last evaluated: 2024-04-18. Review status: criteria provided, single submitter. Criteria: Natera Variant Classification Schema (03/2026). Collection method: clinical testing. Allele origin: germline. Not counted in ClinVar's aggregate classification.
Comment: The c.192dupA variant in ACADVL is a frameshift variant predicted to shift the reading frame beginning at codon 65 and leads to a stop codon 7 codons downstream. This variant is expected to result in nonsense mediated decay, truncation, or a dysfunctional protein product. This variant is rare in the general population with a frequency below the threshold expected for the associated phenotype(s). Given the available evidence, this variant is classified as Likely Pathogenic.

Baylor Genetics
Classification: Pathogenic for Very long chain acyl-CoA dehydrogenase deficiency. Last evaluated: 2023-04-28. Review status: criteria provided, single submitter. Criteria: ACMG Guidelines, 2015. Collection method: clinical testing. Allele origin: unknown. Not counted in ClinVar's aggregate classification.

Labcorp Genetics (formerly Invitae), Labcorp
Classification: Pathogenic for Very long chain acyl-CoA dehydrogenase deficiency. Last evaluated: 2022-08-29. Review status: criteria provided, single submitter. Criteria: Invitae Variant Classification Sherloc (09022015). Collection method: clinical testing. Allele origin: germline. Not counted in ClinVar's aggregate classification.
Comment: This sequence change creates a premature translational stop signal (p.Pro65Thrfs*7) in the ACADVL gene. It is expected to result in an absent or disrupted protein product. Loss-of-function variants in ACADVL are known to be pathogenic (PMID: 9973285, 11590124). This variant is not present in population databases (gnomAD no frequency). This variant has not been reported in the literature in individuals affected with ACADVL-related conditions. ClinVar contains an entry for this variant (Variation ID: 569888). For these reasons, this variant has been classified as Pathogenic.

Literature cited by the submitters: PubMed 9973285 (cited by Labcorp Genetics (formerly Invitae), Labcorp); PubMed 11590124 (cited by Labcorp Genetics (formerly Invitae), Labcorp).